The following is an entry in ClinVar:

NM_000313.4(PROS1):c.988C>T (p.Arg330Trp)

Gene: PROS1 (protein S; minus strand). Cytogenetic location: 3q11.1.
Variant type: single nucleotide variant.
Coding change: c.988C>T on transcript NM_000313.4 (MANE Select); coding-DNA position 988, C replaced by T.
Protein change: p.Arg330Trp; replaces arginine 330 with tryptophan.
Molecular consequence: missense variant.
Genome position (GRCh38, 1-based): chr3:93,893,100, G>A on the plus strand (C>T on the coding strand, the complement: PROS1 is on the minus strand). VCF-style: chr3-93893100-G-A. GRCh37 (hg19) VCF-style: chr3-93611944-G-A.
Other names: c.1084C>T, p.Arg362Trp (NM_001314077.2); short protein forms R330W, R362W.
Identifiers: ClinVar variation 1684338 (VCV001684338.4), dbSNP rs536077692, ClinGen allele CA2503296.

ClinVar aggregate classification (germline): Uncertain significance. Review status: criteria provided, multiple submitters, no conflicts (2 of 4 stars). 5 submissions from 4 submitters: Uncertain significance (3). 2 of the submissions do not count toward it. Last evaluated 2026-06-18.

Conditions:
PROS1-related disorder. Also called: PROS1-related condition.
Thrombophilia due to protein S deficiency, autosomal dominant (THPH5). Identifiers: Orphanet 26349, Orphanet 743, MedGen C3278211, MONDO:0012868, OMIM 612336. Disease mechanism: loss of function.
Thrombophilia due to protein S deficiency, autosomal recessive (THPH6). Identifiers: Orphanet 743, MedGen C3281092, MONDO:0013791, OMIM 614514. Disease mechanism: loss of function.
Protein S deficiency disease. Also called: Protein S deficiency. Identifiers: MedGen C0242666, MeSH D018455, MONDO:0002304.

Allele frequency attached by ClinVar (database versions not stated): gnomAD exomes below 0.00001 and 0.00001; gnomAD 0.00001; TOPMed 0.00001.

Submissions (5):

PreventionGenetics, part of Exact Sciences
Classification: Uncertain significance for PROS1-related condition. Last evaluated: 2026-06-18. Review status: criteria provided, single submitter. Criteria: ACMG Guidelines, 2015. Collection method: clinical testing. Allele origin: germline.
Comment: The PROS1 c.988C>T variant is predicted to result in the amino acid substitution p.Arg330Trp. This variant was reported in four individuals with protein S deficiency (Mauz-Koerholz et al. 2009. PubMed ID: 19437370; Wypasek et al. 2021. PubMed ID: 34533296; Alhenc-Gelas et al. 2015. PubMed ID: 26466767, Bartylla et al. 2026. PubMed ID: PMID: 42079676), in two cases this variant was reported in heterozygous state and in other two cases the zygosity was not stated, but is assumed also to be heterozygous. In one case, where examined, the patient had reduced protein S activity to 45 % (Mauz-Koerholz et al. 2009. PubMed ID: 19437370). In ClinVar this variant was reported by one submitter in two individuals with protein S deficiency, in one case in patient with deep venous thrombosis in heterozygous state and in the second case in patient with pulmonary embolism in compound heterozygous state; this variant is assessed as variant of uncertain significance in ClinVar (Variation ID: 1684338 ). This variant is reported in 0.0029% of alleles in individuals of Latino descent in gnomAD. Although we suspect that this variant may be pathogenic, at this time the clinical significance of this variant is uncertain due to the absence of conclusive functional and genetic evidence.

Labcorp Genetics (formerly Invitae), Labcorp
Classification: Uncertain significance for Thrombophilia due to protein S deficiency, autosomal recessive. Last evaluated: 2025-12-09. Review status: criteria provided, single submitter. Criteria: Invitae Variant Classification Sherloc (09022015). Collection method: clinical testing. Allele origin: germline.
Comment: This sequence change replaces arginine, which is basic and polar, with tryptophan, which is neutral and slightly polar, at codon 330 of the PROS1 protein (p.Arg330Trp). The frequency data for this variant in the population databases is considered unreliable, as metrics indicate poor data quality at this position in the gnomAD database. This missense change has been observed in individual(s) with clinical features of PRSO1-related conditions (PMID: 19437370, 26466767, 34533296). This variant is also known as Arg289Trp, Arg362Trp. ClinVar contains an entry for this variant (Variation ID: 1684338). Invitae Evidence Modeling of protein sequence and biophysical properties (such as structural, functional, and spatial information, amino acid conservation, physicochemical variation, residue mobility, and thermodynamic stability) indicates that this missense variant is expected to disrupt PROS1 protein function with a positive predictive value of 80%. In summary, the available evidence is currently insufficient to determine the role of this variant in disease. Therefore, it has been classified as a Variant of Uncertain Significance.

ISTH-SSC Genomics in Thrombosis and Hemostasis, KU Leuven, Center for Molecular and Vascular Biology
Classification: Uncertain significance for Thrombophilia due to protein S deficiency, autosomal dominant. Review status: criteria provided, single submitter. Criteria: ACMG Guidelines, 2015. Collection method: clinical testing. Allele origin: germline. Affected: yes. Observed: 1 heterozygote, 1 compound heterozygote.
Comment: Submitted to GoldVariant by Kathleen Freson, Center for Molecular and Vascular Biology, Leuven, Belgium

Department of Transfusion Medicine and Hemostaseology, University Hospital Erlangen
Classification: Uncertain significance for Thrombophilia due to protein S deficiency, autosomal dominant. Last evaluated: 2025-09-01. Review status: no assertion criteria provided. Collection method: clinical testing. Allele origin: germline. Not counted in ClinVar's aggregate classification.
Comment: This variant was identified during a screening of patients with suspected hereditary Protein S deficiency. It has been insufficiently described in the literature (PMID: 11776305, 26466767) and has not been characterized in vitro. According to dbSNP it represents a very rare genetic alteration, previously detected in the European population in heterozygous state only according to the Allele Frequency Aggregator dataset. Several in silico variant effect prediction tools (PolyPhen-2, SIFT, AlphaMissense) classify this variant as likely pathogenic. Taken together, we classified this variant as of uncertain significance.

ISTH-SSC Genomics in Thrombosis and Hemostasis, KU Leuven, Center for Molecular and Vascular Biology
Classification: Likely pathogenic for Protein S deficiency disease. Review status: no assertion criteria provided. Collection method: research. Allele origin: unknown. Affected: yes. Not counted in ClinVar's aggregate classification.
Comment: Submitted to GoldVariant by Dr Karyn Mégy from NIHR Bioresource - Cambridge University, UK

Literature cited by the submitters: PubMed 19437370 (cited by Labcorp Genetics (formerly Invitae), Labcorp); PubMed 26466767 (cited by Labcorp Genetics (formerly Invitae), Labcorp and Department of Transfusion Medicine and Hemostaseology, University Hospital Erlangen); PubMed 34533296 (cited by Labcorp Genetics (formerly Invitae), Labcorp); PubMed 11776305 (cited by Department of Transfusion Medicine and Hemostaseology, University Hospital Erlangen).